The following is an entry in ClinVar:

NM_001378452.1(ITPR1):c.5103+2_5103+6del

Genes: BRRIAR (BHLHE40 and RIG-I regulating ITPR1 antisense RNA; minus strand), ITPR1 (inositol 1,4,5-trisphosphate receptor type 1; plus strand). Cytogenetic location: 3p26.1.
Variant type: Deletion.
Coding change: c.5103+2_5103+6del on transcript NM_001378452.1 (MANE Select); the canonical splice donor site of the intron after coding-DNA position 5103 through 6 bases into the intron after coding-DNA position 5103, 5 bases deleted (TACTG; older notation c.5103+2_5103+6delTACTG).
Molecular consequence: splice donor variant.
Genome position (GRCh38, 1-based): chr3:4,711,870-4,711,874, TACTG deleted; deleting any 5 consecutive bases within chr3:4,711,869-4,711,874 gives the same sequence; the c. name uses the placement nearest the transcript's 3' end. VCF-style (leftmost placement, unchanged base first): chr3-4711868-GGTACT-G. GRCh37 (hg19) VCF-style: chr3-4753552-GGTACT-G.
Other names: c.5076+2_5076+6del (NM_001099952.4); c.5058+2_5058+6del (NM_001168272.2); c.5031+2_5031+6del (NM_002222.7).
Identifiers: ClinVar variation 1494901 (VCV001494901.6), dbSNP rs2125283159, ClinGen allele CA2573137061.

ClinVar aggregate classification (germline): Likely pathogenic (1 of 4 stars; one submission).

Submission:

Labcorp Genetics (formerly Invitae), Labcorp
Classification: Likely pathogenic. Last evaluated: 2021-07-24. Review status: criteria provided, single submitter. Criteria: Invitae Variant Classification Sherloc (09022015). Collection method: clinical testing. Allele origin: germline.
Comment: In summary, the currently available evidence indicates that the variant is pathogenic, but additional data are needed to prove that conclusively. Therefore, this variant has been classified as Likely Pathogenic. Algorithms developed to predict the effect of sequence changes on RNA splicing suggest that this variant may disrupt the consensus splice site. This variant has not been reported in the literature in individuals affected with ITPR1-related conditions. This variant is not present in population databases (ExAC no frequency). This sequence change affects a splice site in intron 38 of the ITPR1 gene. It is expected to disrupt RNA splicing. Variants that disrupt the donor or acceptor splice site typically lead to a loss of protein function (PMID: 16199547), and loss-of-function variants in ITPR1 are known to be pathogenic (PMID: 17590087, 21367767, 21555639, 27108797).

Literature cited by the submitters: PubMed 16199547; PubMed 17590087; PubMed 21367767; PubMed 21555639; PubMed 27108797.